The following is an entry in ClinVar:

ClinVar aggregate classification (germline): Conflicting classifications of pathogenicity. Review status: criteria provided, conflicting classifications (1 of 4 stars). 4 submissions from 4 submitters: Uncertain significance (1); Likely benign (2). 1 of the submissions does not count toward it. Last evaluated 2025-07-31.

Conditions:
Peroxisome biogenesis disorder, complementation group K (CGK). Identifiers: MedGen C1866257, MONDO:0800365.
PEX14-related disorder. Also called: PEX14-related condition.

Allele frequency attached by ClinVar (database versions not stated): gnomAD 0.00003; TOPMed 0.00003; gnomAD exomes 0.00004; ExAC 0.00006.
gnomAD v4.1: 88 of 1,613,824 alleles (0.0055%); highest among the groups gnomAD compares: Middle Eastern, 0.016%; no homozygotes.

Submissions (4):

Labcorp Genetics (formerly Invitae), Labcorp
Classification: Likely benign for Peroxisome biogenesis disorder, complementation group K. Last evaluated: 2025-07-31. Review status: criteria provided, single submitter. Criteria: Invitae Variant Classification Sherloc (09022015). Collection method: clinical testing. Allele origin: germline.

Blueprint Genetics
Classification: Likely benign. Last evaluated: 2022-09-15. Review status: criteria provided, single submitter. Criteria: ACMG Guidelines, 2015. Collection method: clinical testing. Allele origin: germline.

Eurofins Ntd Llc (ga)
Classification: Uncertain significance. Last evaluated: 2018-06-11. Review status: criteria provided, single submitter. Criteria: EGL ClinVar v180209 classification definitions. Collection method: clinical testing. Allele origin: germline. Observed: 2 variant alleles, 2 heterozygotes.

PreventionGenetics, part of Exact Sciences
Classification: Likely benign for PEX14-related condition. Last evaluated: 2021-11-11. Review status: no assertion criteria provided. Collection method: clinical testing. Allele origin: germline. Not counted in ClinVar's aggregate classification.
Comment: This variant is classified as likely benign based on ACMG/AMP sequence variant interpretation guidelines (Richards et al. 2015 PMID: 25741868, with internal and published modifications).

NM_004565.3(PEX14):c.807C>T (p.Asn269=)

Gene: PEX14 (peroxisomal biogenesis factor 14; plus strand). Cytogenetic location: 1p36.22.
Variant type: single nucleotide variant.
Coding change: c.807C>T on transcript NM_004565.3 (MANE Select); coding-DNA position 807, C replaced by T.
Protein change: p.Asn269=; no amino-acid change (asparagine 269 retained).
Molecular consequence: synonymous variant.
Genome position (GRCh38, 1-based): chr1:10,629,660, C>T. VCF-style: chr1-10629660-C-T. GRCh37 (hg19) VCF-style: chr1-10689717-C-T.
Other names: c.807C>T (NM_004565.2).
Identifiers: ClinVar variation 500950 (VCV000500950.16), dbSNP rs757658916, ClinGen allele CA583968.